The following is an entry in ClinVar:

ClinVar aggregate classification (germline): Benign/Likely benign. Review status: criteria provided, multiple submitters, no conflicts (2 of 4 stars). 20 submissions from 17 submitters: Benign (14); Likely benign (6). Last evaluated 2026-06-01.

Conditions:
Hereditary cancer-predisposing syndrome. Also called: Tumor predisposition; Neoplastic Syndromes, Hereditary; Hereditary Cancer Syndrome; Hereditary neoplastic syndrome. Identifiers: Orphanet 140162, MedGen C0027672, MeSH D009386, MONDO:0015356.
Neurofibromatosis, type 1 (NF1). Also called: Peripheral type neurofibromatosis; Neurofibromatosis, type I; NEUROFIBROMATOSIS, TYPE I, SOMATIC; VON RECKLINGHAUSEN DISEASE. Identifiers: Orphanet 636, MedGen C0027831, MONDO:0018975, OMIM 162200. Disease mechanism: loss of function.
Café-au-lait macules with pulmonary stenosis (WTSN). Also called: PULMONIC STENOSIS WITH CAFE-AU-LAIT SPOTS. Identifiers: MedGen C0553586, MONDO:0008672, OMIM 193520.
Neurofibromatosis-Noonan syndrome (NFNS). Also called: NEUROFIBROMATOSIS WITH NOONAN PHENOTYPE. Identifiers: Orphanet 638, MedGen C2931482, MONDO:0011035, OMIM 601321. Disease mechanism: loss of function.
Neurofibromatosis, familial spinal (FSNF). Identifiers: Orphanet 636, MedGen C1834235, MONDO:0008078, OMIM 162210. Disease mechanism: loss of function.
Juvenile myelomonocytic leukemia (JMML). Also called: LEUKEMIA, JUVENILE MYELOMONOCYTIC, SOMATIC. Identifiers: Orphanet 86834, MedGen C0349639, MONDO:0011908, OMIM 607785, HP:0012209.

Allele frequency attached by ClinVar (database versions not stated): gnomAD 0.00024 and 0.00037; TOPMed 0.00050; gnomAD exomes 0.00085; ExAC 0.00088; 1000 Genomes Project 30x 0.00125; 1000 Genomes Project 0.00140.
gnomAD v4.1: 595 of 1,614,134 alleles (0.037%); highest among the groups gnomAD compares: East Asian, 1.2%; 8 homozygotes.

Submissions (20):

CeGaT Center for Human Genetics Tuebingen
Classification: Likely benign. Last evaluated: 2026-06-01. Review status: criteria provided, single submitter. Criteria: CeGaT Center For Human Genetics Tuebingen Variant Classification Criteria Version 2. Collection method: clinical testing. Allele origin: germline. Affected: yes. Observed: 2 variant alleles.
Comment: NF1: BP4, BP7, BS1

Myriad Genetics, Inc.
Classification: Benign for Neurofibromatosis, type 1. Last evaluated: 2026-05-14. Review status: criteria provided, single submitter. Criteria: Myriad Autosomal Dominant, Autosomal Recessive and X-Linked Classification Criteria (2023). Collection method: clinical testing. Allele origin: unknown.
Comment: This variant is considered benign. This variant is a silent/synonymous amino acid change and it is not expected to impact splicing.

Labcorp Genetics (formerly Invitae), Labcorp
Classification: Benign for Neurofibromatosis, type 1. Last evaluated: 2026-02-03. Review status: criteria provided, single submitter. Criteria: Invitae Variant Classification Sherloc (09022015). Collection method: clinical testing. Allele origin: germline.

Institute for Biomarker Research, Medical Diagnostic Laboratories, L.L.C.
Classification: Benign for Hereditary cancer-predisposing syndrome. Last evaluated: 2025-04-18. Review status: criteria provided, single submitter. Criteria: ACMG Guidelines, 2015. Collection method: clinical testing. Allele origin: germline.
Comment: The synonymous variant NM_000267.3(NF1):c.369C>G (p.Thr123=) has been reported to ClinVar as Benign/Likely benign with a status of (2 stars) criteria provided, multiple submitters, no conflicts (Variation ID 184262 as of 2025-04-03). The p.Thr123= variant is observed in 7/5,008 (0.1398%) alleles from individuals of 1kG All background in 1kG, which is greater than expected for the disorder. The p.Thr123= variant is not predicted to disrupt an existing splice site. The p.Thr123= variant results in a substitution of a base that is not predicted conserved by GERP++ and PhyloP. For these reasons, this variant has been classified as Benign

Mayo Clinic Laboratories, Mayo Clinic
Classification: Benign. Last evaluated: 2025-03-10. Review status: criteria provided, single submitter. Criteria: ACMG Guidelines, 2015. Collection method: clinical testing. Allele origin: germline. Observed: 1 variant allele.
Comment: BS1, BS2, BP4, BP7

ARUP Laboratories, Molecular Genetics and Genomics, ARUP Laboratories
Classification: Benign. Last evaluated: 2024-12-13. Review status: criteria provided, single submitter. Criteria: ARUP Molecular Germline Variant Investigation Process 2024. Collection method: clinical testing. Allele origin: germline.

Blueprint Genetics
Classification: Likely benign. Last evaluated: 2024-10-09. Review status: criteria provided, single submitter. Criteria: ACMG Guidelines, 2015. Collection method: clinical testing. Allele origin: germline.

Department of Pathology and Laboratory Medicine, Sinai Health System
Classification: Benign for Neurofibromatosis, type 1; Neurofibromatosis, familial spinal; Café-au-lait macules with pulmonary stenosis; Neurofibromatosis-Noonan syndrome; Juvenile myelomonocytic leukemia. Last evaluated: 2024-07-02. Review status: criteria provided, single submitter. Criteria: ACMG Guidelines, 2015. Collection method: clinical testing. Allele origin: germline. Affected: yes.

Genome-Nilou Lab
Classification: Benign for Neurofibromatosis, type 1. Last evaluated: 2022-03-15. Review status: criteria provided, single submitter. Criteria: ACMG Guidelines, 2015. Collection method: clinical testing. Allele origin: germline. Affected: no.

Fulgent Genetics
Classification: Likely benign for Neurofibromatosis, type 1; Neurofibromatosis, familial spinal; Café-au-lait macules with pulmonary stenosis; Neurofibromatosis-Noonan syndrome; Juvenile myelomonocytic leukemia. Last evaluated: 2022-01-07. Review status: criteria provided, single submitter. Criteria: ACMG Guidelines, 2015. Collection method: clinical testing. Allele origin: unknown.

Genome Diagnostics Laboratory, The Hospital for Sick Children
Classification: Likely benign for Neurofibromatosis, type 1. Last evaluated: 2020-10-26. Review status: criteria provided, single submitter. Criteria: ACMG Guidelines, 2015. Collection method: clinical testing. Allele origin: germline. Affected: yes.

GeneDx
Classification: Benign. Last evaluated: 2018-04-18. Review status: criteria provided, single submitter. Criteria: GeneDx Variant Classification (06012015). Collection method: clinical testing. Allele origin: germline. Affected: yes.
Comment: This variant is considered likely benign or benign based on one or more of the following criteria: it is a conservative change, it occurs at a poorly conserved position in the protein, it is predicted to be benign by multiple in silico algorithms, and/or has population frequency not consistent with disease.

Illumina Laboratory Services, Illumina
Classification: Benign for Café-au-lait macules with pulmonary stenosis. Last evaluated: 2018-01-13. Review status: criteria provided, single submitter. Criteria: ICSL Variant Classification Criteria 13 December 2019. Collection method: clinical testing. Allele origin: germline.
Comment: This variant was observed in the ICSL laboratory as part of a predisposition screen in an ostensibly healthy population. It had not been previously curated by ICSL or reported in the Human Gene Mutation Database (HGMD: prior to June 1st, 2018), and was therefore a candidate for classification through an automated scoring system. Utilizing variant allele frequency, disease prevalence and penetrance estimates, and inheritance mode, an automated score was calculated to assess if this variant is too frequent to cause the disease. Based on the score and internal cut-off values, a variant classified as benign is not then subjected to further curation. The score for this variant resulted in a classification of benign for this disease.

Illumina Laboratory Services, Illumina
Classification: Benign for Neurofibromatosis, familial spinal. Last evaluated: 2018-01-13. Review status: criteria provided, single submitter. Criteria: ICSL Variant Classification Criteria 13 December 2019. Collection method: clinical testing. Allele origin: germline.
Comment: the same text as in the submission from Illumina Laboratory Services, Illumina above.

Illumina Laboratory Services, Illumina
Classification: Benign for Neurofibromatosis-Noonan syndrome. Last evaluated: 2018-01-13. Review status: criteria provided, single submitter. Criteria: ICSL Variant Classification Criteria 13 December 2019. Collection method: clinical testing. Allele origin: germline.
Comment: the same text as in the submission from Illumina Laboratory Services, Illumina above.

Illumina Laboratory Services, Illumina
Classification: Benign for Neurofibromatosis, type 1. Last evaluated: 2018-01-13. Review status: criteria provided, single submitter. Criteria: ICSL Variant Classification Criteria 13 December 2019. Collection method: clinical testing. Allele origin: germline.
Comment: the same text as in the submission from Illumina Laboratory Services, Illumina above.

Women's Health and Genetics/Laboratory Corporation of America, LabCorp
Classification: Benign. Last evaluated: 2017-08-21. Review status: criteria provided, single submitter. Criteria: LabCorp Variant Classification Summary - May 2015. Collection method: clinical testing. Allele origin: germline.
Comment: Variant summary: The NF1 c.369C>G (p.Thr123Thr) variant involves the alteration of a non-conserved nucleotide, resulting in a synonymous change. One in silico tool predicts a damaging outcome for this variant. 4/5 splice prediction tools predict no significant impact on normal splicing. However, these predictions have yet to be confirmed by functional studies. This variant was found in 107/121302 control chromosomes (2 homozygotes), predominantly observed in the East Asian subpopulation at a frequency of 0.012034 (104/8642). This frequency is about 58 times the estimated maximal expected allele frequency of a pathogenic NF1 variant (0.0002084), suggesting this is likely a benign polymorphism found primarily in the populations of East Asian origin. The variant was reported in patients in the literature who also carry truncating NF1 mutations, further supporting the benign nature of the variant of interest. In addition, multiple clinical diagnostic laboratories/reputable databases classified this variant as likely benign/benign. Taken together, this variant is classified as benign.

Ambry Genetics
Classification: Likely benign for Hereditary cancer-predisposing syndrome. Last evaluated: 2014-07-15. Review status: criteria provided, single submitter. Criteria: Ambry Autosomal Dominant and X-Linked criteria (10/2015). Collection method: clinical testing. Allele origin: germline. Observed: 1 variant allele.

Breakthrough Genomics
Classification: Likely benign. Review status: criteria provided, single submitter. Criteria: ACMG Guidelines, 2015. Collection method: not provided. Allele origin: germline. Inheritance: Autosomal dominant inheritance. Affected: yes.

PreventionGenetics, part of Exact Sciences
Classification: Benign. Review status: criteria provided, single submitter. Criteria: ACMG Guidelines, 2015. Collection method: clinical testing. Allele origin: germline.

Literature cited by the submitters: PubMed 26056819 (cited by Women's Health and Genetics/Laboratory Corporation of America, LabCorp).

NM_001042492.3(NF1):c.369C>G (p.Thr123=)

Gene: NF1 (neurofibromin 1; plus strand). Cytogenetic location: 17q11.2.
Variant type: single nucleotide variant.
Coding change: c.369C>G on transcript NM_001042492.3 (MANE Select); coding-DNA position 369, C replaced by G.
Protein change: p.Thr123=; no amino-acid change (threonine 123 retained).
Molecular consequence: synonymous variant.
Genome position (GRCh38, 1-based): chr17:31,163,266, C>G. VCF-style: chr17-31163266-C-G. GRCh37 (hg19) VCF-style: chr17-29490284-C-G.
Other names: p.Thr123=; c.369C>G, p.Thr123= (NM_000267.4, NM_001128147.3).
Identifiers: ClinVar variation 184262 (VCV000184262.32), dbSNP rs146691765, ClinGen allele CA188418.